The following is an entry in ClinVar:

NM_000815.5(GABRD):c.953_954del (p.Tyr318fs)

Gene: GABRD (gamma-aminobutyric acid type A receptor subunit delta; plus strand). Cytogenetic location: 1p36.33.
Variant type: Deletion.
Coding change: c.953_954del on transcript NM_000815.5 (MANE Select); coding-DNA positions 953 to 954, 2 bases deleted (AT; older notation c.953_954delAT).
Protein change: p.Tyr318fs; shifts the reading frame from tyrosine 318.
Molecular consequence: frameshift variant.
Genome position (GRCh38, 1-based): chr1:2,029,656-2,029,657, AT deleted; deleting any 2 consecutive bases within chr1:2,029,655-2,029,657 gives the same sequence; the c. name uses the placement nearest the transcript's 3' end. VCF-style (leftmost placement, unchanged base first): chr1-2029654-CTA-C. GRCh37 (hg19) VCF-style: chr1-1961093-CTA-C.
Other names: short protein forms Y318fs.
Identifiers: ClinVar variation 3906687 (VCV003906687.1).

ClinVar aggregate classification (germline): Uncertain significance (1 of 4 stars; one submission).

Submission:

GeneDx
Classification: Uncertain significance. Last evaluated: 2024-12-18. Review status: criteria provided, single submitter. Criteria: GeneDx Variant Classification Process June 2021. Collection method: clinical testing. Allele origin: germline. Affected: yes.
Comment: Frameshift variant predicted to result in abnormal protein length as the last 135 amino acids are replaced with 109 different amino acids; Not observed at significant frequency in large population cohorts (gnomAD); Has not been previously published as pathogenic or benign to our knowledge